The following is an entry in ClinVar:

NM_000492.4(CFTR):c.1064C>T (p.Pro355Leu)

Gene: CFTR (CF transmembrane conductance regulator; plus strand). Cytogenetic location: 7q31.2.
Variant type: single nucleotide variant.
Coding change: c.1064C>T on transcript NM_000492.4 (MANE Select); coding-DNA position 1064, C replaced by T.
Protein change: p.Pro355Leu; replaces proline 355 with leucine.
Molecular consequence: missense variant.
Genome position (GRCh38, 1-based): chr7:117,540,294, C>T. VCF-style: chr7-117540294-C-T. GRCh37 (hg19) VCF-style: chr7-117180348-C-T.
Other names: p.Pro355Leu; short protein forms P355L.
Identifiers: ClinVar variation 2682994 (VCV002682994.2), dbSNP rs562012226, ClinGen allele CA4450884.

ClinVar aggregate classification (germline): Uncertain significance. Review status: criteria provided, multiple submitters, no conflicts (2 of 4 stars). 2 submissions from 2 submitters: Uncertain significance (2). Last evaluated 2023-04-19.

Conditions:
Cystic fibrosis (CF). Also called: MUCOVISCIDOSIS. Identifiers: Orphanet 586, MedGen C0010674, MONDO:0009061, OMIM 219700. Disease mechanism: loss of function.

Allele frequency attached by ClinVar (database versions not stated): gnomAD exomes below 0.00001; 1000 Genomes Project 30x 0.00016; 1000 Genomes Project 0.00020; TOPMed 0.00002; gnomAD 0.00003; ExAC 0.00002.
gnomAD v4.1: 8 of 1,613,978 alleles (0.0005%); highest among the groups gnomAD compares: African/African-American, 0.0053%; no homozygotes.

Submissions (2):

Mayo Clinic Laboratories, Mayo Clinic
Classification: Uncertain significance. Last evaluated: 2023-04-19. Review status: criteria provided, single submitter. Criteria: ACMG Guidelines, 2015. Collection method: clinical testing. Allele origin: germline. Observed: 1 variant allele.
Comment: PP3, PM2

Labcorp Genetics (formerly Invitae), Labcorp
Classification: Uncertain significance for Cystic fibrosis. Last evaluated: 2023-03-13. Review status: criteria provided, single submitter. Criteria: Invitae Variant Classification Sherloc (09022015). Collection method: clinical testing. Allele origin: germline.
Comment: In summary, the available evidence is currently insufficient to determine the role of this variant in disease. Therefore, it has been classified as a Variant of Uncertain Significance. Advanced modeling of protein sequence and biophysical properties (such as structural, functional, and spatial information, amino acid conservation, physicochemical variation, residue mobility, and thermodynamic stability) performed at Invitae indicates that this missense variant is expected to disrupt CFTR protein function. This missense change has been observed in individual(s) with clinical features of cystic fibrosis (PMID: 23810505, 28603918). This variant is present in population databases (rs562012226, gnomAD 0.007%). This sequence change replaces proline, which is neutral and non-polar, with leucine, which is neutral and non-polar, at codon 355 of the CFTR protein (p.Pro355Leu).

Literature cited by the submitters: PubMed 23810505 (cited by Mayo Clinic Laboratories, Mayo Clinic and Labcorp Genetics (formerly Invitae), Labcorp); PubMed 28603918 (cited by Mayo Clinic Laboratories, Mayo Clinic and Labcorp Genetics (formerly Invitae), Labcorp).